The following is an entry in ClinVar:

ClinVar aggregate classification (germline): Uncertain significance (1 of 4 stars; one submission).

Conditions:
Inborn genetic diseases. Identifiers: MedGen C0950123, MeSH D030342.

Submission:

Ambry Genetics
Classification: Uncertain significance for Inborn genetic diseases. Last evaluated: 2024-07-13. Review status: criteria provided, single submitter. Criteria: Ambry Variant Classification Scheme 2023. Collection method: clinical testing. Allele origin: germline.
Comment: The p.V329I variant (also known as c.985G>A), located in coding exon 4 of the PIK3CA gene, results from a G to A substitution at nucleotide position 985. The valine at codon 329 is replaced by isoleucine, an amino acid with highly similar properties. This amino acid position is conserved. In addition, this alteration is predicted to be tolerated by in silico analysis. Based on the available evidence, the clinical significance of this variant remains unclear.

NM_006218.4(PIK3CA):c.985G>A (p.Val329Ile)

Gene: PIK3CA (phosphatidylinositol-4,5-bisphosphate 3-kinase catalytic subunit alpha; plus strand). Cytogenetic location: 3q26.32.
Variant type: single nucleotide variant.
Coding change: c.985G>A on transcript NM_006218.4 (MANE Select); coding-DNA position 985, G replaced by A.
Protein change: p.Val329Ile; replaces valine 329 with isoleucine.
Molecular consequence: missense variant.
Genome position (GRCh38, 1-based): chr3:179,203,715, G>A. VCF-style: chr3-179203715-G-A. GRCh37 (hg19) VCF-style: chr3-178921503-G-A.
Other names: short protein forms V329I.
Identifiers: ClinVar variation 3418512 (VCV003418512.1).